The following is an entry in ClinVar:

ClinVar aggregate classification (germline): Uncertain significance. Review status: criteria provided, multiple submitters, no conflicts (2 of 4 stars). 2 submissions from 2 submitters: Uncertain significance (2). Last evaluated 2024-01-02.

Conditions:
Inborn genetic diseases. Identifiers: MedGen C0950123, MeSH D030342.

gnomAD v4.1: 2 of 1,613,970 alleles (0.00012%); highest among the groups gnomAD compares: Non-Finnish European, 0.00017%; no homozygotes.

Submissions (2):

GeneDx
Classification: Uncertain significance. Last evaluated: 2024-01-02. Review status: criteria provided, single submitter. Criteria: GeneDx Variant Classification Process June 2021. Collection method: clinical testing. Allele origin: germline. Affected: yes.
Comment: Not observed at significant frequency in large population cohorts (gnomAD); In silico analysis supports that this missense variant does not alter protein structure/function; Has not been previously published as pathogenic or benign to our knowledge; Occurs in the triple helical domain at the X position in the canonical Gly-X-Y repeat; although this variant may have an effect on normal protein folding and function, missense substitution at the X position is not a common mechanism of disease

Ambry Genetics
Classification: Uncertain significance for Inborn genetic diseases. Last evaluated: 2022-08-08. Review status: criteria provided, single submitter. Criteria: Ambry Variant Classification Scheme 2023. Collection method: clinical testing. Allele origin: germline.

NM_001845.6(COL4A1):c.2712A>T (p.Glu904Asp)

Gene: COL4A1 (collagen type IV alpha 1 chain; minus strand). Cytogenetic location: 13q34.
Variant type: single nucleotide variant.
Coding change: c.2712A>T on transcript NM_001845.6 (MANE Select); coding-DNA position 2712, A replaced by T.
Protein change: p.Glu904Asp; replaces glutamic acid 904 with aspartic acid.
Molecular consequence: missense variant.
Genome position (GRCh38, 1-based): chr13:110,177,846, T>A on the plus strand (A>T on the coding strand, the complement: COL4A1 is on the minus strand). VCF-style: chr13-110177846-T-A. GRCh37 (hg19) VCF-style: chr13-110830193-T-A.
Other names: short protein forms E904D.
Identifiers: ClinVar variation 2306193 (VCV002306193.3), dbSNP rs1255164574, ClinGen allele CA388667372.
Genomic context (GRCh38, chr13:110,177,846, plus strand): 5'-AAGTGGCATCGAGAAATAGACACAAAATGAGCTTCTAGGGTTATCAGCTCCCCTACCTTT[T>A]TCACCCGGTAATCCAGGAGCACCCACTGGTCCTGGTGAGCCCGGCTGCCCGGGGGTCCCC-3'
Protein context (NP_001836.3, residues 894-914): GPVGAPGLPG[Glu904Asp]KGDHGFPGSS